The following is an entry in ClinVar:

NM_000219.6(KCNE1):c.61G>T (p.Val21Phe)

Gene: KCNE1 (potassium voltage-gated channel subfamily E regulatory subunit 1; minus strand). Cytogenetic location: 21q22.12.
Variant type: single nucleotide variant.
Coding change: c.61G>T on transcript NM_000219.6 (MANE Select); coding-DNA position 61, G replaced by T.
Protein change: p.Val21Phe; replaces valine 21 with phenylalanine.
Molecular consequence: missense variant.
Genome position (GRCh38, 1-based): chr21:34,449,574, C>A on the plus strand (G>T on the coding strand, the complement: KCNE1 is on the minus strand). VCF-style: chr21-34449574-C-A. GRCh37 (hg19) VCF-style: chr21-35821872-C-A.
Other names: c.61G>T, p.Val21Phe (NM_001127668.4, NM_001127669.4, NM_001127670.4 and 4 more transcripts); short protein forms V21F.
Identifiers: ClinVar variation 3373939 (VCV003373939.2).

Conditions:
Long QT syndrome 5 (LQT5). Identifiers: Orphanet 101016, Orphanet 768, MedGen C1867904, MONDO:0013372, OMIM 613695.

Submission:

Roden Lab, Vanderbilt University Medical Center
No classification provided (evidence only). Condition: Long QT syndrome 5. Review status: no classification provided. Collection method: in vitro. Allele origin: not applicable. Functional consequence: Effect on ion channel function.
ClinVar note: "not provided" was previously submitted as the classification for the variant. However, the classification appeared to be based only on an observation of functional data so it was converted to no classification on 2025-07-30.